The following is an entry in ClinVar:

ClinVar aggregate classification (germline): Likely pathogenic (1 of 4 stars; one submission).

Conditions:
Bethlem myopathy 1A. Also called: MYOPATHY, BENIGN CONGENITAL, WITH CONTRACTURES; Bethlem myopathy 1; Bethlem Muscular Dystrophy. Identifiers: Orphanet 610, MedGen CN029274, MONDO:0024530, OMIM 158810.

Submission:

Labcorp Genetics (formerly Invitae), Labcorp
Classification: Likely pathogenic for Bethlem myopathy 1A. Last evaluated: 2021-02-25. Review status: criteria provided, single submitter. Criteria: Invitae Variant Classification Sherloc (09022015). Collection method: clinical testing. Allele origin: germline.
Comment: This variant disrupts the p.Gly1679 amino acid residue in COL6A3. Other variant(s) that disrupt this residue have been determined to be pathogenic (PMID: 9536084, 15689448). This suggests that this residue is clinically significant, and that variants that disrupt this residue are likely to be disease-causing. Algorithms developed to predict the effect of sequence changes on RNA splicing suggest that this variant may create or strengthen a splice site, but this prediction has not been confirmed by published transcriptional studies. Advanced modeling of protein sequence and biophysical properties (such as structural, functional, and spatial information, amino acid conservation, physicochemical variation, residue mobility, and thermodynamic stability) performed at Invitae indicates that this missense variant is expected to disrupt COL6A3 protein function. This variant has not been reported in the literature in individuals with COL6A3-related conditions. This variant is not present in population databases (ExAC no frequency). This sequence change replaces glycine with arginine at codon 1679 of the COL6A3 protein (p.Gly1679Arg). The glycine residue is moderately conserved and there is a moderate physicochemical difference between glycine and arginine. In summary, the currently available evidence indicates that the variant is pathogenic, but additional data are needed to prove that conclusively. Therefore, this variant has been classified as Likely Pathogenic.

Literature cited by the submitters: PubMed 9536084; PubMed 15689448.

NM_004369.4(COL6A3):c.5035G>A (p.Gly1679Arg)

Gene: COL6A3 (collagen type VI alpha 3 chain; minus strand). Cytogenetic location: 2q37.3.
Variant type: single nucleotide variant.
Coding change: c.5035G>A on transcript NM_004369.4 (MANE Select); coding-DNA position 5035, G replaced by A.
Protein change: p.Gly1679Arg; replaces glycine 1679 with arginine.
Molecular consequence: missense variant.
Genome position (GRCh38, 1-based): chr2:237,367,152, C>T on the plus strand (G>A on the coding strand, the complement: COL6A3 is on the minus strand). VCF-style: chr2-237367152-C-T. GRCh37 (hg19) VCF-style: chr2-238275795-C-T.
Other names: c.3214G>A, p.Gly1072Arg (NM_057166.5); c.4417G>A, p.Gly1473Arg (NM_057167.4); short protein forms G1473R, G1679R, G1072R.
Identifiers: ClinVar variation 1517059 (VCV001517059.8), dbSNP rs2106350905, ClinGen allele CA351189410.